The following is an entry in ClinVar:

ClinVar aggregate classification (germline): Likely pathogenic (1 of 4 stars; one submission).

Conditions:
Sotos syndrome (SOTOS). Also called: Distinctive facial appearance, overgrowth in childhood, and learning disabilities or delayed development; CHROMOSOME 5q35 DELETION SYNDROME; SOTOS SYNDROME 1; CEREBRAL GIGANTISM; Sotos' syndrome. Identifiers: Orphanet 821, MedGen C0175695, MONDO:0019349, OMIM 117550.

Submission:

Department of Clinical Reseach, Mie Cyuo Medical Center
Classification: Likely pathogenic for Sotos syndrome. Last evaluated: 2026-08-12. Review status: criteria provided, single submitter. Criteria: ACMG Guidelines, 2015. Collection method: clinical testing. Allele origin: de novo. Inheritance: Autosomal dominant inheritance. Affected: yes. Observed: 1 variant allele, 1 heterozygote.
Comment: Classified as likely pathogenic based on its location in the SET domain, absence from population databases, a pathogenic variant at the same residue, assumed de novo occurrence, and a Sotos syndrome-consistent phenotype (PM1, PM2, PM5, PM6, PP4).

NM_022455.5(NSD1):c.5854C>G (p.Arg1952Gly)

Gene: NSD1 (nuclear receptor binding SET domain protein 1; plus strand). Cytogenetic location: 5q35.3.
Variant type: single nucleotide variant.
Coding change: c.5854C>G on transcript NM_022455.5 (MANE Select); coding-DNA position 5854, C replaced by G.
Protein change: p.Arg1952Gly; replaces arginine 1952 with glycine.
Molecular consequence: missense variant.
Genome position (GRCh38, 1-based): chr5:177,280,796, C>G. VCF-style: chr5-177280796-C-G. GRCh37 (hg19) VCF-style: chr5-176707797-C-G.
Other names: c.4981C>G, p.Arg1661Gly (NM_001365684.2, NM_001409308.1, NM_001409309.1 and 1 more transcripts); c.5854C>G, p.Arg1952Gly (NM_001409301.1, NM_001409302.1, NM_001409303.1); c.5434C>G, p.Arg1812Gly (NM_001409304.1); c.5101C>G, p.Arg1701Gly (NM_001409305.1); c.5092C>G, p.Arg1698Gly (NM_001409306.1, NM_001409307.1); short protein forms R1661G, R1698G, R1701G, R1812G, R1952G.
Identifiers: ClinVar variation 4884601 (VCV004884601.1).